The following is an entry in ClinVar:

NM_000059.4(BRCA2):c.8650T>C (p.Tyr2884His)

Gene: BRCA2 (BRCA2 DNA repair associated; plus strand). Cytogenetic location: 13q13.1.
Variant type: single nucleotide variant.
Coding change: c.8650T>C on transcript NM_000059.4 (MANE Select); coding-DNA position 8650, T replaced by C.
Protein change: p.Tyr2884His; replaces tyrosine 2884 with histidine.
Molecular consequence: missense variant. On other transcripts: non-coding transcript variant (1).
Genome position (GRCh38, 1-based): chr13:32,376,687, T>C. VCF-style: chr13-32376687-T-C. GRCh37 (hg19) VCF-style: chr13-32950824-T-C.
Other names: c.8554T>C, p.Tyr2852His (NM_001406719.1); c.8650T>C, p.Tyr2884His (NM_001406720.1); c.3718T>C, p.Tyr1240His (NM_001406721.1); c.2233T>C, p.Tyr745His (NM_001406722.1); short protein forms Y1240H, Y2852H, Y2884H, Y745H.
Identifiers: ClinVar variation 2566039 (VCV002566039.5), dbSNP rs2137612442, ClinGen allele CA387754676.

ClinVar aggregate classification (germline): Conflicting classifications of pathogenicity. Review status: criteria provided, conflicting classifications (1 of 4 stars). 2 submissions from 2 submitters: Uncertain significance (1); Benign (1). Last evaluated 2025-05-15.

Conditions:
Hereditary cancer-predisposing syndrome. Also called: Neoplastic Syndromes, Hereditary; Hereditary Cancer Syndrome; Hereditary neoplastic syndrome; Tumor predisposition. Identifiers: Orphanet 140162, MedGen C0027672, MeSH D009386, MONDO:0015356.

Allele frequency attached by ClinVar (database versions not stated): gnomAD exomes below 0.00001.
gnomAD v4.1: 1 of 1,614,122 alleles (0.000062%); highest among the groups gnomAD compares: Non-Finnish European, 0.000085%; no homozygotes.

Submissions (2):

Ambry Genetics
Classification: Benign for Hereditary cancer-predisposing syndrome. Last evaluated: 2025-05-15. Review status: criteria provided, single submitter. Criteria: Ambry Variant Classification Scheme 2023. Collection method: clinical testing. Allele origin: germline.

Color Diagnostics, LLC DBA Color Health
Classification: Uncertain significance for Hereditary cancer-predisposing syndrome. Last evaluated: 2022-06-29. Review status: criteria provided, single submitter. Criteria: ACMG Guidelines, 2015. Collection method: clinical testing. Allele origin: germline.
Comment: This missense variant replaces tyrosine with histidine at codon 2884 of the BRCA2 protein. Computational prediction suggests that this variant may not impact protein structure and function (internally defined REVEL score threshold <= 0.5, PMID: 27666373). To our knowledge, functional studies have not been reported for this variant. This variant has been reported in individuals affected with breast cancer (PMID: 33471991; Leiden Open Variation Database DB-ID BRCA2_003846, Color internal data). This variant has not been identified in the general population by the Genome Aggregation Database (gnomAD). The available evidence is insufficient to determine the role of this variant in disease conclusively. Therefore, this variant is classified as a Variant of Uncertain Significance.

Literature cited by the submitters: PubMed 33471991 (cited by Color Diagnostics, LLC DBA Color Health).